The following is an entry in ClinVar:

NM_015662.3(IFT172):c.2387C>G (p.Thr796Arg)

Gene: IFT172 (intraflagellar transport 172; minus strand). Cytogenetic location: 2p23.3.
Variant type: single nucleotide variant.
Coding change: c.2387C>G on transcript NM_015662.3 (MANE Select); coding-DNA position 2387, C replaced by G.
Protein change: p.Thr796Arg; replaces threonine 796 with arginine.
Molecular consequence: missense variant.
Genome position (GRCh38, 1-based): chr2:27,461,324, G>C on the plus strand (C>G on the coding strand, the complement: IFT172 is on the minus strand). VCF-style: chr2-27461324-G-C. GRCh37 (hg19) VCF-style: chr2-27684191-G-C.
Other names: c.2321C>G, p.Thr774Arg (NM_001410739.1); short protein forms T774R, T796R.
Identifiers: ClinVar variation 2934560 (VCV002934560.1), dbSNP rs1666646404, ClinGen allele CA346384100.

ClinVar aggregate classification (germline): Uncertain significance (1 of 4 stars; one submission).

Conditions:
Retinitis pigmentosa 71 (RP71). Identifiers: Orphanet 791, MedGen C4225342, MONDO:0014618, OMIM 616394.
Short-rib thoracic dysplasia 10 with or without polydactyly (SRTD10). Identifiers: Orphanet 474, MedGen C3810175, MONDO:0014284, OMIM 615630.

Allele frequency attached by ClinVar (database versions not stated): TOPMed below 0.00001; gnomAD 0.00001.
gnomAD v4.1: 1 of 1,614,050 alleles (0.000062%); highest among the groups gnomAD compares: African/African-American, 0.0013%; no homozygotes.

Submission:

Labcorp Genetics (formerly Invitae), Labcorp
Classification: Uncertain significance for Retinitis pigmentosa 71; Short-rib thoracic dysplasia 10 with or without polydactyly. Last evaluated: 2024-01-25. Review status: criteria provided, single submitter. Criteria: Invitae Variant Classification Sherloc (09022015). Collection method: clinical testing. Allele origin: germline.
Comment: This sequence change replaces threonine, which is neutral and polar, with arginine, which is basic and polar, at codon 796 of the IFT172 protein (p.Thr796Arg). This variant is not present in population databases (gnomAD no frequency). This variant has not been reported in the literature in individuals affected with IFT172-related conditions. Advanced modeling of protein sequence and biophysical properties (such as structural, functional, and spatial information, amino acid conservation, physicochemical variation, residue mobility, and thermodynamic stability) performed at Invitae indicates that this missense variant is not expected to disrupt IFT172 protein function with a negative predictive value of 80%. In summary, the available evidence is currently insufficient to determine the role of this variant in disease. Therefore, it has been classified as a Variant of Uncertain Significance.